The following is an entry in ClinVar:

ClinVar aggregate classification (germline): Uncertain significance (1 of 4 stars; one submission).

Conditions:
Baller-Gerold syndrome (BGS). Also called: CRANIOSYNOSTOSIS WITH RADIAL DEFECTS. Identifiers: Orphanet 1225, MedGen C0265308, MONDO:0009039, OMIM 218600.

Submission:

Labcorp Genetics (formerly Invitae), Labcorp
Classification: Uncertain significance for Baller-Gerold syndrome. Last evaluated: 2025-06-09. Review status: criteria provided, single submitter. Criteria: Invitae Variant Classification Sherloc (09022015). Collection method: clinical testing. Allele origin: germline.
Comment: This variant, c.109_111del, is a complex sequence change that results in the deletion of 1 amino acid(s) in the RECQL4 protein (p.Glu37del). This variant is present in population databases (no rsID available, gnomAD 0.007%). This variant has not been reported in the literature in individuals affected with RECQL4-related conditions. ClinVar contains an entry for this variant (Variation ID: 580219). Experimental studies and prediction algorithms are not available or were not evaluated, and the functional significance of this variant is currently unknown. In summary, the available evidence is currently insufficient to determine the role of this variant in disease. Therefore, it has been classified as a Variant of Uncertain Significance.

NM_004260.4(RECQL4):c.106GAG[1] (p.Glu37del)

Genes: RECQL4 (RecQ like helicase 4; minus strand), LOC130001411 (ATAC-STARR-seq lymphoblastoid silent region 19699; plus strand). Cytogenetic location: 8q24.3.
Variant type: Microsatellite.
Coding change: c.106GAG[1] on transcript NM_004260.4 (MANE Select); one copy of the 3-base unit GAG starting at c.106; the reference has two copies in a row; one copy, 3 bases deleted.
Protein change: p.Glu37del; deletes glutamic acid 37.
Molecular consequence: inframe deletion.
Genome position (GRCh38, 1-based): chr8:144,517,609-144,517,611, CTC deleted on the plus strand (GAG on the coding strand, the reverse complement: RECQL4 is on the minus strand); deleting any 3 consecutive bases within chr8:144,517,609-144,517,615 gives the same sequence; the position shown is the placement nearest the transcript's 3' end. VCF-style (leftmost placement, unchanged base first): chr8-144517608-TCTC-T. GRCh37 (hg19) VCF-style: chr8-145742992-TCTC-T.
Other names: c.109_111delGAG (NM_004260.3); short protein forms E37del.
Identifiers: ClinVar variation 580219 (VCV000580219.10), dbSNP rs1239043035, ClinGen allele CA585833111.
Genomic context (GRCh38, chr8:144,517,608, plus strand): 5'-GGGCCCCTGCCGACCCGGTGTCTTCTCGCCCCCGCCGCCCCGCCGCGCGCTCACCGCGGG[TCTC>T]CTCCGGCGCCGCCTCCACGTCGTCCTGTAAAGGGAACGCGTCAGCCGCGGGCCGCGCCCT-3'